The following is an entry in ClinVar:

ClinVar aggregate classification (germline): Uncertain significance. Review status: criteria provided, multiple submitters, no conflicts (2 of 4 stars). 2 submissions from 2 submitters: Uncertain significance (2). Last evaluated 2023-01-23.

Conditions:
Inborn genetic diseases. Identifiers: MedGen C0950123, MeSH D030342.

Allele frequency attached by ClinVar (database versions not stated): gnomAD exomes below 0.00001; ExAC 0.00002.
gnomAD v4.1: 3 of 1,614,028 alleles (0.00019%); highest among the groups gnomAD compares: East Asian, 0.0067%; no homozygotes.

Submissions (2):

Ambry Genetics
Classification: Uncertain significance for Inborn genetic diseases. Last evaluated: 2023-01-23. Review status: criteria provided, single submitter. Criteria: Ambry Variant Classification Scheme 2023. Collection method: clinical testing. Allele origin: germline.

Labcorp Genetics (formerly Invitae), Labcorp
Classification: Uncertain significance. Last evaluated: 2021-05-14. Review status: criteria provided, single submitter. Criteria: Invitae Variant Classification Sherloc (09022015). Collection method: clinical testing. Allele origin: germline.
Comment: In summary, the available evidence is currently insufficient to determine the role of this variant in disease. Therefore, it has been classified as a Variant of Uncertain Significance. Algorithms developed to predict the effect of missense changes on protein structure and function are either unavailable or do not agree on the potential impact of this missense change (SIFT: "Not Available"; PolyPhen-2: "Possibly Damaging"; Align-GVGD: "Not Available"). This variant has not been reported in the literature in individuals with ADAMTS18-related conditions. This variant is present in population databases (rs748944067, ExAC 0.02%). This sequence change replaces lysine with threonine at codon 308 of the ADAMTS18 protein (p.Lys308Thr). The lysine residue is highly conserved and there is a moderate physicochemical difference between lysine and threonine.

NM_199355.4(ADAMTS18):c.923A>C (p.Lys308Thr)

Gene: ADAMTS18 (ADAM metallopeptidase with thrombospondin type 1 motif 18; minus strand). Cytogenetic location: 16q23.1.
Variant type: single nucleotide variant.
Coding change: c.923A>C on transcript NM_199355.4 (MANE Select); coding-DNA position 923, A replaced by C.
Protein change: p.Lys308Thr; replaces lysine 308 with threonine.
Molecular consequence: missense variant.
Genome position (GRCh38, 1-based): chr16:77,364,237, T>G on the plus strand (A>C on the coding strand, the complement: ADAMTS18 is on the minus strand). VCF-style: chr16-77364237-T-G. GRCh37 (hg19) VCF-style: chr16-77398134-T-G.
Other names: c.407A>C, p.Lys136Thr (NM_001326358.2); c.923A>C (NM_199355.2); short protein forms K136T, K308T.
Identifiers: ClinVar variation 1424005 (VCV001424005.8), dbSNP rs748944067, ClinGen allele CA8181512.